The following is an entry in ClinVar:

ClinVar aggregate classification (germline): Uncertain significance (1 of 4 stars; one submission).

Conditions:
Early-infantile DEE. Also called: Ohtahara syndrome; Early infantile epileptic encephalopathy with suppression bursts; Early infantile epileptic encephalopathy. Identifiers: Orphanet 1934, MedGen C0393706, MONDO:0800491.

Allele frequency attached by ClinVar (database versions not stated): gnomAD 0.00001; TOPMed 0.00001.
gnomAD v4.1: 2 of 1,613,420 alleles (0.00012%); highest among the groups gnomAD compares: African/African-American, 0.0027%; no homozygotes.

Submission:

Labcorp Genetics (formerly Invitae), Labcorp
Classification: Uncertain significance for Early-infantile DEE. Last evaluated: 2020-09-16. Review status: criteria provided, single submitter. Criteria: Invitae Variant Classification Sherloc (09022015). Collection method: clinical testing. Allele origin: germline.
Comment: In summary, the available evidence is currently insufficient to determine the role of this variant in disease. Therefore, it has been classified as a Variant of Uncertain Significance. Algorithms developed to predict the effect of missense changes on protein structure and function (SIFT, PolyPhen-2, Align-GVGD) all suggest that this variant is likely to be disruptive, but these predictions have not been confirmed by published functional studies and their clinical significance is uncertain. This variant has not been reported in the literature in individuals with KCNH5-related conditions. This variant is not present in population databases (ExAC no frequency). This sequence change replaces asparagine with isoleucine at codon 629 of the KCNH5 protein (p.Asn629Ile). The asparagine residue is highly conserved and there is a large physicochemical difference between asparagine and isoleucine.

NM_139318.5(KCNH5):c.1886A>T (p.Asn629Ile)

Gene: KCNH5 (potassium voltage-gated channel subfamily H member 5; minus strand). Cytogenetic location: 14q23.2.
Variant type: single nucleotide variant.
Coding change: c.1886A>T on transcript NM_139318.5 (MANE Select); coding-DNA position 1886, A replaced by T.
Protein change: p.Asn629Ile; replaces asparagine 629 with isoleucine.
Molecular consequence: missense variant. On other transcripts: intron variant (1).
Genome position (GRCh38, 1-based): chr14:62,779,861, T>A on the plus strand (A>T on the coding strand, the complement: KCNH5 is on the minus strand). VCF-style: chr14-62779861-T-A. GRCh37 (hg19) VCF-style: chr14-63246579-T-A.
Other names: c.1822+22468A>T (NM_172375.3); short protein forms N629I.
Identifiers: ClinVar variation 1012036 (VCV001012036.9), dbSNP rs1204494580, ClinGen allele CA390099287.
Genomic context (GRCh38, chr14:62,779,861, plus strand): 5'-ACTTTGAGCAAGGCTTCCCGCTTGATGATGTGTAGGTCACAGTACGTCAGTGCCCGGACG[T>A]TCGCACATGCATGGGCAAGGGTGGTTTCCTTCCAGAAGATGTCTCCAAATACATCACCCT-3'
Protein context (NP_647479.2, residues 619-639): KETTLAHACA[Asn629Ile]VRALTYCDLH